The following is an entry in ClinVar:

NM_001042492.3(NF1):c.2474C>G (p.Ser825Cys)

Gene: NF1 (neurofibromin 1; plus strand). Cytogenetic location: 17q11.2.
Variant type: single nucleotide variant.
Coding change: c.2474C>G on transcript NM_001042492.3 (MANE Select); coding-DNA position 2474, C replaced by G.
Protein change: p.Ser825Cys; replaces serine 825 with cysteine.
Molecular consequence: missense variant.
Genome position (GRCh38, 1-based): chr17:31,229,089, C>G. VCF-style: chr17-31229089-C-G. GRCh37 (hg19) VCF-style: chr17-29556107-C-G.
Other names: c.2474C>G, p.Ser825Cys (NM_000267.4); short protein forms S825C.
Identifiers: ClinVar variation 404513 (VCV000404513.5), dbSNP rs1060500314, ClinGen allele CA16615172.

ClinVar aggregate classification (germline): Uncertain significance (1 of 4 stars; one submission).

Conditions:
Neurofibromatosis, type 1 (NF1). Also called: Neurofibromatosis, type I; NEUROFIBROMATOSIS, TYPE I, SOMATIC; Peripheral type neurofibromatosis; VON RECKLINGHAUSEN DISEASE. Identifiers: Orphanet 636, MedGen C0027831, MONDO:0018975, OMIM 162200. Disease mechanism: loss of function.

Submission:

Labcorp Genetics (formerly Invitae), Labcorp
Classification: Uncertain significance for Neurofibromatosis, type 1. Last evaluated: 2017-01-11. Review status: criteria provided, single submitter. Criteria: Invitae Variant Classification Sherloc (09022015). Collection method: clinical testing. Allele origin: germline.
Comment: In summary, this variant is a novel missense change that is not predicted to affect protein function. There is no indication that it causes disease, but the available evidence is currently insufficient to prove that conclusively. Therefore, it has been classified as a Variant of Uncertain Significance. Algorithms developed to predict the effect of missense changes on protein structure and function (SIFT, PolyPhen-2, Align-GVGD) all suggest that this variant is likely to be tolerated, but these predictions have not been confirmed by published functional studies. This variant is not present in population databases (ExAC no frequency) and has not been reported in the literature in individuals with a NF1-related disease. This sequence change replaces serine with cysteine at codon 825 of the NF1 protein (p.Ser825Cys). The serine residue is moderately conserved and there is a moderate physicochemical difference between serine and cysteine.